The following is an entry in ClinVar:

NM_000548.5(TSC2):c.4046C>T (p.Ala1349Val)

Gene: TSC2 (TSC complex subunit 2; plus strand). Cytogenetic location: 16p13.3.
Variant type: single nucleotide variant.
Coding change: c.4046C>T on transcript NM_000548.5 (MANE Select); coding-DNA position 4046, C replaced by T.
Protein change: p.Ala1349Val; replaces alanine 1349 with valine.
Molecular consequence: missense variant.
Genome position (GRCh38, 1-based): chr16:2,084,268, C>T. VCF-style: chr16-2084268-C-T. GRCh37 (hg19) VCF-style: chr16-2134269-C-T.
Other names: p.A1349V:GCG>GTG; c.3845C>T, p.Ala1282Val (NM_001077183.3); c.3977C>T, p.Ala1326Val (NM_001114382.3); c.3737C>T, p.Ala1246Val (NM_001318827.2); c.3701C>T, p.Ala1234Val (NM_001318829.2); c.3314C>T, p.Ala1105Val (NM_001318831.2); c.3878C>T, p.Ala1293Val (NM_001318832.2); c.3848C>T, p.Ala1283Val (NM_001363528.2); and 3 more; short protein forms A1349V, A1305V, A1326V, A1105V, A1246V, A1283V, A1293V, A1306V.
Identifiers: ClinVar variation 41739 (VCV000041739.31), dbSNP rs201979616, ClinGen allele CA019876.

ClinVar aggregate classification (germline): Conflicting classifications of pathogenicity. Review status: criteria provided, conflicting classifications (1 of 4 stars). 13 submissions from 13 submitters: Uncertain significance (3); Benign (1); Likely benign (8). 1 of the submissions does not count toward it. Last evaluated 2026-06-01.

Conditions:
TSC2-related disorder. Also called: TSC2-Related Disorders; TSC2-related condition.
Hereditary cancer-predisposing syndrome. Also called: Tumor predisposition; Neoplastic Syndromes, Hereditary; Hereditary Cancer Syndrome; Hereditary neoplastic syndrome. Identifiers: Orphanet 140162, MedGen C0027672, MeSH D009386, MONDO:0015356.
Tuberous sclerosis syndrome (TSC). Also called: Tuberous Sclerosis Complex; Tuberous sclerosis. Identifiers: Orphanet 805, MedGen C0041341, MONDO:0001734.
Tuberous sclerosis 2 (TSC2). Identifiers: Orphanet 805, MedGen C1860707, MONDO:0013199, OMIM 613254.

Allele frequency attached by ClinVar (database versions not stated): gnomAD 0.00001 and 0.00002; TOPMed 0.00003; ExAC 0.00004; gnomAD exomes 0.00004.
gnomAD v4.1: 58 of 1,608,938 alleles (0.0036%); highest among the groups gnomAD compares: South Asian, 0.0089%; no homozygotes.

Submissions (13):

CeGaT Center for Human Genetics Tuebingen
Classification: Likely benign. Last evaluated: 2026-06-01. Review status: criteria provided, single submitter. Criteria: CeGaT Center For Human Genetics Tuebingen Variant Classification Criteria Version 2. Collection method: clinical testing. Allele origin: germline. Affected: yes. Observed: 2 variant alleles.
Comment: TSC2: BP4

PreventionGenetics, part of Exact Sciences
Classification: Likely benign for TSC2-related condition. Last evaluated: 2026-01-20. Review status: criteria provided, single submitter. Criteria: ACMG Guidelines, 2015. Collection method: clinical testing. Allele origin: germline.
Comment: This variant is classified as likely benign based on ACMG/AMP sequence variant interpretation guidelines (Richards et al. 2015 PMID: 25741868, with internal and published modifications).

Labcorp Genetics (formerly Invitae), Labcorp
Classification: Benign for Tuberous sclerosis 2. Last evaluated: 2025-11-23. Review status: criteria provided, single submitter. Criteria: Invitae Variant Classification Sherloc (09022015). Collection method: clinical testing. Allele origin: germline.

Myriad Genetics, Inc.
Classification: Likely benign for Tuberous sclerosis 2. Last evaluated: 2025-06-02. Review status: criteria provided, single submitter. Criteria: Myriad Autosomal Dominant, Autosomal Recessive and X-Linked Classification Criteria (2023). Collection method: clinical testing. Allele origin: unknown.
Comment: This variant is considered likely benign. This variant has been observed at a population frequency that is significantly greater than expected given the associated disease prevalence and penetrance.

Quest Diagnostics Nichols Institute San Juan Capistrano
Classification: Likely benign. Last evaluated: 2025-05-05. Review status: criteria provided, single submitter. Criteria: Quest Diagnostics criteria. Collection method: clinical testing. Allele origin: unknown.

Color Diagnostics, LLC DBA Color Health
Classification: Uncertain significance for Tuberous sclerosis syndrome. Last evaluated: 2024-05-08. Review status: criteria provided, single submitter. Criteria: ACMG Guidelines, 2015. Collection method: clinical testing. Allele origin: germline.
Comment: This missense variant replaces alanine with valine at codon 1349 of the TSC2 protein. Computational prediction is inconclusive regarding the impact of this variant on protein structure and function. To our knowledge, functional studies have not been reported for this variant. This variant has been reported in an individual affected with lymphangioleiomyomatosis (PMID:31856217). This variant has been identified in 9/240078 chromosomes in the general population by the Genome Aggregation Database (gnomAD). The available evidence is insufficient to determine the role of this variant in disease conclusively. Therefore, this variant is classified as a Variant of Uncertain Significance.

St. Jude Molecular Pathology, St. Jude Children's Research Hospital
Classification: Uncertain significance for Tuberous sclerosis 2. Last evaluated: 2023-05-31. Review status: criteria provided, single submitter. Criteria: St. Jude Assertion Criteria 2020. Collection method: clinical testing. Allele origin: germline.
Comment: The TSC2 c.4046C>T (p.Ala1349Val) missense change has a maximum subpopulation frequency of 0.011% in gnomAD v2.1.1. The in silico tool REVEL is inconclusive about a pathogenic or benign effect of this variant on protein function, and to our knowledge functional studies have not been performed. This variant has been reported in an individual with tuberous sclerosis complex who also harbored a second missense variant in TSC2 (LOVD database). The phase of these variants is unknown. In summary, the evidence currently available is insufficient to determine the clinical significance of this variant. It has therefore been classified as of uncertain significance.

Blueprint Genetics
Classification: Likely benign. Last evaluated: 2022-06-15. Review status: criteria provided, single submitter. Criteria: ACMG Guidelines, 2015. Collection method: clinical testing. Allele origin: germline.

Genome-Nilou Lab
Classification: Likely benign for Tuberous sclerosis 2. Last evaluated: 2021-11-07. Review status: criteria provided, single submitter. Criteria: ACMG Guidelines, 2015. Collection method: clinical testing. Allele origin: germline. Affected: no.

Sema4
Classification: Uncertain significance for Hereditary cancer-predisposing syndrome. Last evaluated: 2021-10-12. Review status: criteria provided, single submitter. Criteria: Sema4 Curation Guidelines. Collection method: curation. Allele origin: germline.
Comment: The TSC2 c.4046C>T (p.A1349V) variant has been reported in somatically in one individual with sporadic lymphangioleiomyomatosis (PMID: 31856217). It has also been reported as an incidental finding in an individual undergoing genetic testing for atherosclerosis (PMID: 22703879). It was observed in 2/18110 chromosomes of the East Asian subpopulation in the large and broad cohorts of the Genome Aggregation Database (PMID: 32461654). The variant has been reported in ClinVar (Variation ID 41739). Functional studies have not been performed, and in silico predictions of the variant's effect on protein function are inconclusive. The evidence is insufficient to meet ACMG/AMP criteria for classifying the variant as benign or pathogenic. Thus, the clinical significance of this variant is currently uncertain.

Ambry Genetics
Classification: Likely benign for Hereditary cancer-predisposing syndrome. Last evaluated: 2021-07-12. Review status: criteria provided, single submitter. Criteria: Ambry Variant Classification Scheme 2023. Collection method: clinical testing. Allele origin: germline.

GeneDx
Classification: Likely benign. Last evaluated: 2021-02-23. Review status: criteria provided, single submitter. Criteria: GeneDx Variant Classification Process June 2021. Collection method: clinical testing. Allele origin: germline. Affected: yes.
Comment: This variant is associated with the following publications: (PMID: 22703879)

Biesecker Lab/Clinical Genomics Section, National Institutes of Health
Classification: Uncertain significance. Last evaluated: 2012-07-13. Review status: no assertion criteria provided. Collection method: research. Allele origin: germline. Affected: no. Observed: 1 variant allele. Study: ClinSeq. Not counted in ClinVar's aggregate classification.
ClinVar note: Converted during submission from variant of unknown significance to Uncertain significance.

Literature cited by the submitters: PubMed 31856217 (cited by Color Diagnostics, LLC DBA Color Health and Sema4).